The following is an entry in ClinVar:

ClinVar aggregate classification (germline): Uncertain significance (1 of 4 stars; one submission).

Conditions:
Inborn genetic diseases. Identifiers: MedGen C0950123, MeSH D030342.

gnomAD v4.1: 1 of 1,613,100 alleles (0.000062%); highest among the groups gnomAD compares: South Asian, 0.0011%; no homozygotes.

Submission:

Ambry Genetics
Classification: Uncertain significance for Inborn genetic diseases. Last evaluated: 2024-12-22. Review status: criteria provided, single submitter. Criteria: Ambry Variant Classification Scheme 2023. Collection method: clinical testing. Allele origin: germline.
Comment: The p.K511R variant (also known as c.1532A>G), located in coding exon 9 of the ERCC6L2 gene, results from an A to G substitution at nucleotide position 1532. The lysine at codon 511 is replaced by arginine, an amino acid with highly similar properties. This amino acid position is conserved. In addition, this alteration is predicted to be tolerated by in silico analysis. Based on the available evidence, the clinical significance of this variant remains unclear.

NM_020207.7(ERCC6L2):c.1532A>G (p.Lys511Arg)

Gene: ERCC6L2 (ERCC excision repair 6 like 2; plus strand). Cytogenetic location: 9q22.32.
Variant type: single nucleotide variant.
Coding change: c.1532A>G on transcript NM_020207.7 (MANE Select); coding-DNA position 1532, A replaced by G.
Protein change: p.Lys511Arg; replaces lysine 511 with arginine.
Molecular consequence: missense variant. On other transcripts: non-coding transcript variant (1).
Genome position (GRCh38, 1-based): chr9:95,923,378, A>G. VCF-style: chr9-95923378-A-G. GRCh37 (hg19) VCF-style: chr9-98685660-A-G.
Other names: c.1532A>G, p.Lys511Arg (NM_001010895.4, NM_001375291.1, NM_001375292.1 and 2 more transcripts); short protein forms K511R.
Identifiers: ClinVar variation 3845821 (VCV003845821.1).